The following is an entry in ClinVar:

NM_000393.5(COL5A2):c.2200G>A (p.Ala734Thr)

Gene: COL5A2 (collagen type V alpha 2 chain; minus strand). Cytogenetic location: 2q32.2.
Variant type: single nucleotide variant.
Coding change: c.2200G>A on transcript NM_000393.5 (MANE Select); coding-DNA position 2200, G replaced by A.
Protein change: p.Ala734Thr; replaces alanine 734 with threonine.
Molecular consequence: missense variant.
Genome position (GRCh38, 1-based): chr2:189,058,458, C>T on the plus strand (G>A on the coding strand, the complement: COL5A2 is on the minus strand). VCF-style: chr2-189058458-C-T. GRCh37 (hg19) VCF-style: chr2-189923184-C-T.
Other names: short protein forms A734T.
Identifiers: ClinVar variation 1787630 (VCV001787630.4), dbSNP rs774571321, ClinGen allele CA2022419.
Genomic context (GRCh38, chr2:189,058,458, plus strand): 5'-TTTAAAACACTGAGATCACTATGACACTTACTTTTGGGCCATCAGGACCATGTCCTCCAG[C>T]CATTCCCTTCTCACCAGGGAGTCCAGTTATCCCAGGTTCTCCTCTTTCCCCAGGATTTCC-3'
Protein context (NP_000384.2, residues 724-744): ITGLPGEKGM[Ala734Thr]GGHGPDGPKG

ClinVar aggregate classification (germline): Uncertain significance. Review status: criteria provided, multiple submitters, no conflicts (2 of 4 stars). 2 submissions from 2 submitters: Uncertain significance (2). Last evaluated 2024-12-23.

Conditions:
Familial thoracic aortic aneurysm and aortic dissection (TAAD). Also called: Thoracic aortic aneurysms and dissections. Identifiers: Orphanet 91387, MedGen C4707243, MONDO:0019625.
Ehlers-Danlos syndrome, classic type, 1 (EDSCL1). Also called: Ehlers-Danlos syndrome, type 1; Ehlers-Danlos Syndrome, Classic Type, COL5A1-Related; EDS I; EHLERS-DANLOS SYNDROME, GRAVIS TYPE; EHLERS-DANLOS SYNDROME, SEVERE CLASSIC TYPE. Identifiers: MedGen C0268335, MONDO:0019567, OMIM 130000.

Allele frequency attached by ClinVar (database versions not stated): gnomAD exomes 0.00001; ExAC 0.00002; TOPMed 0.00001.
gnomAD v4.1: 21 of 1,614,034 alleles (0.0013%); highest among the groups gnomAD compares: Non-Finnish European, 0.0017%; no homozygotes.

Submissions (2):

Labcorp Genetics (formerly Invitae), Labcorp
Classification: Uncertain significance for Ehlers-Danlos syndrome, classic type, 1. Last evaluated: 2024-12-23. Review status: criteria provided, single submitter. Criteria: Invitae Variant Classification Sherloc (09022015). Collection method: clinical testing. Allele origin: germline.
Comment: This sequence change replaces alanine, which is neutral and non-polar, with threonine, which is neutral and polar, at codon 734 of the COL5A2 protein (p.Ala734Thr). This variant is present in population databases (rs774571321, gnomAD 0.002%). This variant has not been reported in the literature in individuals affected with COL5A2-related conditions. ClinVar contains an entry for this variant (Variation ID: 1787630). Invitae Evidence Modeling of protein sequence and biophysical properties (such as structural, functional, and spatial information, amino acid conservation, physicochemical variation, residue mobility, and thermodynamic stability) indicates that this missense variant is not expected to disrupt COL5A2 protein function with a negative predictive value of 80%. In summary, the available evidence is currently insufficient to determine the role of this variant in disease. Therefore, it has been classified as a Variant of Uncertain Significance.

Ambry Genetics
Classification: Uncertain significance for Familial thoracic aortic aneurysm and aortic dissection. Last evaluated: 2022-09-28. Review status: criteria provided, single submitter. Criteria: Ambry Variant Classification Scheme 2023. Collection method: clinical testing. Allele origin: germline.
Comment: The p.A734T variant (also known as c.2200G>A), located in coding exon 33 of the COL5A2 gene, results from a G to A substitution at nucleotide position 2200. The alanine at codon 734 is replaced by threonine, an amino acid with similar properties. This amino acid position is well conserved in available vertebrate species. In addition, the in silico prediction for this alteration is inconclusive. Since supporting evidence is limited at this time, the clinical significance of this alteration remains unclear.